The following is an entry in ClinVar:

ClinVar aggregate classification (germline): Uncertain significance. Review status: criteria provided, multiple submitters, no conflicts (2 of 4 stars). 2 submissions from 2 submitters: Uncertain significance (2). Last evaluated 2024-05-26.

Conditions:
Hereditary sensory and autonomic neuropathy type 7. Also called: HSAN VII; Neuropathy, hereditary sensory and autonomic, type VII. Identifiers: Orphanet 391397, MedGen C3809882, MONDO:0014244, OMIM 615548.
Familial episodic pain syndrome with predominantly lower limb involvement. Also called: Episodic pain syndrome, familial, 3. Identifiers: Orphanet 391384, Orphanet 391392, MedGen C3809899, MONDO:0014247, OMIM 615552.
Inborn genetic diseases. Identifiers: MedGen C0950123, MeSH D030342.

gnomAD v4.1: 1 of 1,611,492 alleles (0.000062%); highest among the groups gnomAD compares: Non-Finnish European, 0.000085%; no homozygotes.

Submissions (2):

Ambry Genetics
Classification: Uncertain significance for Inborn genetic diseases. Last evaluated: 2024-05-26. Review status: criteria provided, single submitter. Criteria: Ambry Variant Classification Scheme 2023. Collection method: clinical testing. Allele origin: germline.

Labcorp Genetics (formerly Invitae), Labcorp
Classification: Uncertain significance for Familial episodic pain syndrome with predominantly lower limb involvement; Hereditary sensory and autonomic neuropathy type 7. Last evaluated: 2024-04-03. Review status: criteria provided, single submitter. Criteria: Invitae Variant Classification Sherloc (09022015). Collection method: clinical testing. Allele origin: germline.
Comment: This sequence change replaces glutamine, which is neutral and polar, with lysine, which is basic and polar, at codon 951 of the SCN11A protein (p.Gln951Lys). This variant is not present in population databases (gnomAD no frequency). This variant has not been reported in the literature in individuals affected with SCN11A-related conditions. An algorithm developed to predict the effect of missense changes on protein structure and function (PolyPhen-2) suggests that this variant is likely to be tolerated. In summary, the available evidence is currently insufficient to determine the role of this variant in disease. Therefore, it has been classified as a Variant of Uncertain Significance.

NM_001349253.2(SCN11A):c.2851C>A (p.Gln951Lys)

Gene: SCN11A (sodium voltage-gated channel alpha subunit 11; minus strand). Cytogenetic location: 3p22.2.
Variant type: single nucleotide variant.
Coding change: c.2851C>A on transcript NM_001349253.2 (MANE Select); coding-DNA position 2851, C replaced by A.
Protein change: p.Gln951Lys; replaces glutamine 951 with lysine.
Molecular consequence: missense variant.
Genome position (GRCh38, 1-based): chr3:38,886,223, G>T on the plus strand (C>A on the coding strand, the complement: SCN11A is on the minus strand). VCF-style: chr3-38886223-G-T. GRCh37 (hg19) VCF-style: chr3-38927714-G-T.
Other names: c.2851C>A, p.Gln951Lys (NM_014139.3); short protein forms Q951K.
Identifiers: ClinVar variation 3316542 (VCV003316542.3).